The following is an entry in ClinVar:

NM_000552.5(VWF):c.4206G>A (p.Gln1402=)

Gene: VWF (von Willebrand factor; minus strand). Cytogenetic location: 12p13.31.
Variant type: single nucleotide variant.
Coding change: c.4206G>A on transcript NM_000552.5 (MANE Select); coding-DNA position 4206, G replaced by A.
Protein change: p.Gln1402=; no amino-acid change (glutamine 1402 retained).
Molecular consequence: synonymous variant.
Genome position (GRCh38, 1-based): chr12:6,019,212, C>T on the plus strand (G>A on the coding strand, the complement: VWF is on the minus strand). VCF-style: chr12-6019212-C-T. GRCh37 (hg19) VCF-style: chr12-6128378-C-T.
Identifiers: ClinVar variation 2642606 (VCV002642606.24), dbSNP rs368639720, ClinGen allele CA6402574.

ClinVar aggregate classification (germline): Likely benign (1 of 4 stars; one submission).

Allele frequency attached by ClinVar (database versions not stated): gnomAD exomes 0.00006; gnomAD 0.00007; ExAC 0.00008; ESP Exome Variant Server 0.00008; TOPMed 0.00009.
gnomAD v4.1: 104 of 1,613,866 alleles (0.0064%); highest among the groups gnomAD compares: Middle Eastern, 0.13%; no homozygotes.

Submission:

CeGaT Center for Human Genetics Tuebingen
Classification: Likely benign. Last evaluated: 2022-05-01. Review status: criteria provided, single submitter. Criteria: CeGaT Center For Human Genetics Tuebingen Variant Classification Criteria Version 2. Collection method: clinical testing. Allele origin: germline. Affected: yes. Observed: 1 variant allele.
Comment: VWF: BP4, BP7